The following is an entry in ClinVar:

ClinVar aggregate classification (germline): Uncertain significance (1 of 4 stars; one submission).

Conditions:
Nemaline myopathy 2 (NEM2). Also called: Nemaline myopathy 2, autosomal recessive. Identifiers: MedGen C1850569, MONDO:0009725, OMIM 256030.

Submission:

Labcorp Genetics (formerly Invitae), Labcorp
Classification: Uncertain significance for Nemaline myopathy 2. Last evaluated: 2019-05-30. Review status: criteria provided, single submitter. Criteria: Invitae Variant Classification Sherloc (09022015). Collection method: clinical testing. Allele origin: germline.
Comment: This variant is an in-frame deletion of the genomic region encompassing exon 173 of the NEB gene. It preserves the integrity of the reading frame. Deletion of exon 173 has not been reported in the literature in individuals with NEB-related disease. In summary, the available evidence is currently insufficient to determine the role of this variant in disease. Therefore, it has been classified as a Variant of Uncertain Significance.

NC_000002.12:g.(?_151496921)_(151497053_?)del

Genes: NEB (nebulin; minus strand), RIF1 (replication timing regulatory factor 1; plus strand). Cytogenetic location: 2q23.3.
Variant type: Deletion.
Identifiers: ClinVar variation 465424 (VCV000465424.3).